The following is an entry in ClinVar:

NM_014271.4(IL1RAPL1):c.424C>G (p.Leu142Val)

Gene: IL1RAPL1 (interleukin 1 receptor accessory protein like 1; plus strand). Cytogenetic location: Xp21.2.
Variant type: single nucleotide variant.
Coding change: c.424C>G on transcript NM_014271.4 (MANE Select); coding-DNA position 424, C replaced by G.
Protein change: p.Leu142Val; replaces leucine 142 with valine.
Molecular consequence: missense variant.
Genome position (GRCh38, 1-based): chrX:29,396,319, C>G. VCF-style: chrX-29396319-C-G. GRCh37 (hg19) VCF-style: chrX-29414436-C-G.
Other names: short protein forms L142V.
Identifiers: ClinVar variation 620022 (VCV000620022.5), dbSNP rs765477668, ClinGen allele CA10375416.

ClinVar aggregate classification (germline): Uncertain significance. Review status: criteria provided, multiple submitters, no conflicts (2 of 4 stars). 3 submissions from 3 submitters: Uncertain significance (3). Last evaluated 2025-12-08.

Conditions:
Intellectual developmental disorder, X-linked 21. Also called: Mental retardation, X-linked 21/34; MENTAL RETARDATION, X-LINKED 34; Intellectual disability, X-linked 21. Identifiers: Orphanet 777, MedGen C5551510, MONDO:0010256, OMIM 300143.
Inborn genetic diseases. Identifiers: MedGen C0950123, MeSH D030342.

Allele frequency attached by ClinVar (database versions not stated): gnomAD 0.00003; gnomAD exomes 0.00004; ExAC 0.00001; TOPMed 0.00002.
gnomAD v4.1: 44 of 1,205,030 alleles (0.0037%); highest among the groups gnomAD compares: Non-Finnish European, 0.0048%; no homozygotes.

Submissions (3):

Ambry Genetics
Classification: Uncertain significance for Inborn genetic diseases. Last evaluated: 2025-12-08. Review status: criteria provided, single submitter. Criteria: Ambry Variant Classification Scheme 2023. Collection method: clinical testing. Allele origin: germline.

Labcorp Genetics (formerly Invitae), Labcorp
Classification: Uncertain significance. Last evaluated: 2025-06-20. Review status: criteria provided, single submitter. Criteria: Invitae Variant Classification Sherloc (09022015). Collection method: clinical testing. Allele origin: germline.
Comment: This sequence change replaces leucine, which is neutral and non-polar, with valine, which is neutral and non-polar, at codon 142 of the IL1RAPL1 protein (p.Leu142Val). This variant is present in population databases (rs765477668, gnomAD 0.001%), including at least one homozygous and/or hemizygous individual. This variant has not been reported in the literature in individuals affected with IL1RAPL1-related conditions. ClinVar contains an entry for this variant (Variation ID: 620022). An algorithm developed to predict the effect of missense changes on protein structure and function (PolyPhen-2) suggests that this variant is likely to be tolerated. In summary, the available evidence is currently insufficient to determine the role of this variant in disease. Therefore, it has been classified as a Variant of Uncertain Significance.

Cytogénomique, Hospices Civils de Lyon
Classification: Uncertain significance for Intellectual developmental disorder, X-linked 21. Last evaluated: 2015-12-22. Review status: criteria provided, single submitter. Criteria: ACMG Guidelines, 2015. Collection method: clinical testing. Allele origin: maternal. Inheritance: X-linked inheritance. Affected: yes.